The following is an entry in ClinVar:

NM_000245.4(MET):c.3821G>A (p.Trp1274Ter)

Gene: MET (MET proto-oncogene, receptor tyrosine kinase; plus strand). Cytogenetic location: 7q31.2.
Variant type: single nucleotide variant.
Coding change: c.3821G>A on transcript NM_000245.4 (MANE Select); coding-DNA position 3821, G replaced by A.
Protein change: p.Trp1274Ter; replaces tryptophan 1274 with a stop codon.
Molecular consequence: nonsense.
Genome position (GRCh38, 1-based): chr7:116,795,677, G>A. VCF-style: chr7-116795677-G-A. GRCh37 (hg19) VCF-style: chr7-116435731-G-A.
Other names: c.3875G>A, p.Trp1292Ter (NM_001127500.3); c.2531G>A, p.Trp844Ter (NM_001324402.2); short protein forms W1292*, W844*, W1274*.
Identifiers: ClinVar variation 1735746 (VCV001735746.5), dbSNP rs2117107590, ClinGen allele CA369117766.

ClinVar aggregate classification (germline): Uncertain significance. Review status: criteria provided, multiple submitters, no conflicts (2 of 4 stars). 2 submissions from 2 submitters: Uncertain significance (2). Last evaluated 2025-07-27.

Conditions:
Renal cell carcinoma. Identifiers: Orphanet 217071, MedGen C0007134, MeSH D002292, MONDO:0005086, HP:0005584.
Hereditary cancer-predisposing syndrome. Also called: Neoplastic Syndromes, Hereditary; Tumor predisposition; Hereditary Cancer Syndrome; Hereditary neoplastic syndrome. Identifiers: Orphanet 140162, MedGen C0027672, MeSH D009386, MONDO:0015356.

Submissions (2):

Labcorp Genetics (formerly Invitae), Labcorp
Classification: Uncertain significance for Renal cell carcinoma. Last evaluated: 2025-07-27. Review status: criteria provided, single submitter. Criteria: Invitae Variant Classification Sherloc (09022015). Collection method: clinical testing. Allele origin: germline.
Comment: This sequence change creates a premature translational stop signal (p.Trp1292*) in the MET gene. It is expected to result in an absent or disrupted protein product. However, the current clinical and genetic evidence is not sufficient to establish whether loss-of-function variants in MET cause disease. This variant is not present in population databases (gnomAD no frequency). This variant has not been reported in the literature in individuals affected with MET-related conditions. ClinVar contains an entry for this variant (Variation ID: 1735746). In summary, the available evidence is currently insufficient to determine the role of this variant in disease. Therefore, it has been classified as a Variant of Uncertain Significance.

Ambry Genetics
Classification: Uncertain significance for Hereditary cancer-predisposing syndrome. Last evaluated: 2022-01-13. Review status: criteria provided, single submitter. Criteria: Ambry Variant Classification Scheme 2023. Collection method: clinical testing. Allele origin: germline.
Comment: The p.W1292* variant (also known as c.3875G>A), located in coding exon 19 of the MET gene, results from a G to A substitution at nucleotide position 3875. This changes the amino acid from a tryptophan to a stop codon within coding exon 19. This alteration is expected to result in premature protein truncation or nonsense-mediated mRNA decay. However, loss of function of MET has not been clearly established as a mechanism of disease. Since supporting evidence is limited at this time, the clinical significance of this alteration remains unclear.